The following is an entry in ClinVar:

ClinVar aggregate classification (germline): Likely pathogenic (1 of 4 stars; one submission).

Submission:

GeneDx
Classification: Likely pathogenic. Last evaluated: 2012-06-06. Review status: criteria provided, single submitter. Criteria: GeneDx Variant Classification (06012015). Collection method: clinical testing. Allele origin: germline. Affected: yes.
Comment: p.Leu2200Phe (CTC>TTC): c.6598 C>T in exon 43 of the RYR2 gene (NM_001035.2). The Leu2200Phe variant in the RYR2 gene has not been reported previously as a disease-causing mutation nor as a benign polymorphism, to our knowledge. Leu2200Phe results in a semi-conservative amino acid substitution of a non-polar Leucine with an aromatic, non-polar Phenylalanine at a residue that is conserved across species. The NHLBI ESP Exome Variant Server reports Leu2200Phe was not observed in approximately 5,000 samples from individuals of European and African American backgrounds, indicating it is not a common benign variant in these populations. While Leu2200Phe does not occur in one of the RYR2 mutation hot spots, a mutation in a nearby codon (Asp2216Val) has been reported in association with CPVT, supporting the functional importance of this region of the protein (Medeiros-Domingo A et al., 2009). In summary, the clinical significance of the Leu2200Phe variant in the RYR2 gene is currently unknown, though the evidence suggests this is a good candidate for a disease-causing mutation. Catecholaminergic Polymorphic Ventricular Tachycardia (CPVT) is characterized by syncope, typically beginning in the first decade of life, which may be triggered by physical activity or intense emotion. In patients with CPVT, stress-induced release of catecholamines causes a dysfunction of the calcium---ion channel in the myocytes (De La Fuente et al., 2008; Napolitano et al., 2012; Priori S et al., 2002). CPVT is primarily caused by autosomal dominant mutations in the RYR2 and KCNJ2 genes. Less commonly, CPVT is caused by autosomal recessive mutations in the CASQ2 gene (Napolitano et al., 2012). Approximately 50% of patients with autosomal dominant CPVT have been reported to have a mutation in the RYR2 gene, while mutations in the RYR2 gene associated with ARVC are rare (McNally E et al., 2009; Napolitano C et al., 2012). The variant is found in CPVT panel(s).

NM_001035.3(RYR2):c.6598C>T (p.Leu2200Phe)

Gene: RYR2 (ryanodine receptor 2; plus strand). Cytogenetic location: 1q43.
Variant type: single nucleotide variant.
Coding change: c.6598C>T on transcript NM_001035.3 (MANE Select); coding-DNA position 6598, C replaced by T.
Protein change: p.Leu2200Phe; replaces leucine 2200 with phenylalanine.
Molecular consequence: missense variant.
Genome position (GRCh38, 1-based): chr1:237,633,620, C>T. VCF-style: chr1-237633620-C-T. GRCh37 (hg19) VCF-style: chr1-237796920-C-T.
Other names: p.L2200F:CTC>TTC; c.6598C>T, p.Leu2200Phe (LRG_402t1); short protein forms L2200F.
Identifiers: ClinVar variation 201265 (VCV000201265.2), dbSNP rs794728743, ClinGen allele CA010231.